The following is an entry in ClinVar:

ClinVar aggregate classification (germline): Likely benign. Review status: criteria provided, multiple submitters, no conflicts (2 of 4 stars). 2 submissions from 2 submitters: Likely benign (2). Last evaluated 2025-10-23.

Conditions:
Early Myoclonic Encephalopathy. Identifiers: MedGen C0270855.

Allele frequency attached by ClinVar (database versions not stated): ESP Exome Variant Server 0.00017; 1000 Genomes Project 0.00020; gnomAD 0.00027; TOPMed 0.00030; 1000 Genomes Project 30x 0.00031; gnomAD exomes 0.00042 and 0.00047; ExAC 0.00064.
gnomAD v4.1: 654 of 1,606,810 alleles (0.041%); highest among the groups gnomAD compares: Non-Finnish European, 0.048%; 1 homozygote.

Submissions (2):

Labcorp Genetics (formerly Invitae), Labcorp
Classification: Likely benign for Early Myoclonic Encephalopathy. Last evaluated: 2025-10-23. Review status: criteria provided, single submitter. Criteria: Invitae Variant Classification Sherloc (09022015). Collection method: clinical testing. Allele origin: germline.

CeGaT Center for Human Genetics Tuebingen
Classification: Likely benign. Last evaluated: 2025-06-01. Review status: criteria provided, single submitter. Criteria: CeGaT Center For Human Genetics Tuebingen Variant Classification Criteria Version 2. Collection method: clinical testing. Allele origin: germline. Affected: yes. Observed: 1 variant allele.
Comment: JMJD1C: BP4

NM_032776.3(JMJD1C):c.4808T>C (p.Ile1603Thr)

Gene: JMJD1C (jumonji domain containing 1C; minus strand). Cytogenetic location: 10q21.3.
Variant type: single nucleotide variant.
Coding change: c.4808T>C on transcript NM_032776.3 (MANE Select); coding-DNA position 4808, T replaced by C.
Protein change: p.Ile1603Thr; replaces isoleucine 1603 with threonine.
Molecular consequence: missense variant. On other transcripts: non-coding transcript variant (1).
Genome position (GRCh38, 1-based): chr10:63,206,861, A>G on the plus strand (T>C on the coding strand, the complement: JMJD1C is on the minus strand). VCF-style: chr10-63206861-A-G. GRCh37 (hg19) VCF-style: chr10-64966621-A-G.
Other names: c.4262T>C, p.Ile1421Thr (NM_001282948.2, NM_001318154.2); c.3944T>C, p.Ile1315Thr (NM_001318153.2); c.4694T>C, p.Ile1565Thr (NM_001322252.2); c.4151T>C, p.Ile1384Thr (NM_001322254.2, NM_001322258.2); short protein forms I1603T, I1421T, I1315T, I1565T, I1384T.
Identifiers: ClinVar variation 580833 (VCV000580833.20), dbSNP rs200242659, ClinGen allele CA5518206.